The following is an entry in ClinVar:

NM_001164508.2(NEB):c.4719+4A>G

Gene: NEB (nebulin; minus strand). Cytogenetic location: 2q23.3.
Variant type: single nucleotide variant.
Coding change: c.4719+4A>G on transcript NM_001164508.2 (MANE Select); 4 bases into the intron after coding-DNA position 4719, A replaced by G.
Molecular consequence: intron variant.
Genome position (GRCh38, 1-based): chr2:151,667,800, T>C on the plus strand (A>G on the coding strand, the complement: NEB is on the minus strand). VCF-style: chr2-151667800-T-C. GRCh37 (hg19) VCF-style: chr2-152524314-T-C.
Other names: c.4719+4A>G (NM_004543.5, NM_001164507.2, NM_001271208.2).
Identifiers: ClinVar variation 4770369 (VCV004770369.1).

ClinVar aggregate classification (germline): Uncertain significance (1 of 4 stars; one submission).

Conditions:
Nemaline myopathy 2 (NEM2). Also called: Nemaline myopathy 2, autosomal recessive. Identifiers: MedGen C1850569, MONDO:0009725, OMIM 256030.

gnomAD v4.1: 2 of 1,609,918 alleles (0.00012%); highest among the groups gnomAD compares: African/African-American, 0.0027%; no homozygotes.

Submission:

Labcorp Genetics (formerly Invitae), Labcorp
Classification: Uncertain significance for Nemaline myopathy 2. Last evaluated: 2026-01-27. Review status: criteria provided, single submitter. Criteria: Invitae Variant Classification Sherloc (09022015). Collection method: clinical testing. Allele origin: germline.
Comment: This sequence change falls in intron 40 of the NEB gene. It does not directly change the encoded amino acid sequence of the NEB protein. It affects a nucleotide within the consensus splice site. This variant is not present in population databases (gnomAD no frequency). This variant has not been reported in the literature in individuals affected with NEB-related conditions. Variants that disrupt the consensus splice site are a relatively common cause of aberrant splicing (PMID: 17576681, 9536098). Algorithms developed to predict the effect of sequence changes on RNA splicing suggest that this variant may disrupt the consensus splice site. In summary, the available evidence is currently insufficient to determine the role of this variant in disease. Therefore, it has been classified as a Variant of Uncertain Significance.

Literature cited by the submitters: PubMed 17576681; PubMed 9536098.